The following is an entry in ClinVar:

NM_021072.4(HCN1):c.1991C>T (p.Ser664Phe)

Gene: HCN1 (hyperpolarization activated cyclic nucleotide gated potassium channel 1; minus strand). Cytogenetic location: 5p12.
Variant type: single nucleotide variant.
Coding change: c.1991C>T on transcript NM_021072.4 (MANE Select); coding-DNA position 1991, C replaced by T.
Protein change: p.Ser664Phe; replaces serine 664 with phenylalanine.
Molecular consequence: missense variant.
Genome position (GRCh38, 1-based): chr5:45,262,603, G>A on the plus strand (C>T on the coding strand, the complement: HCN1 is on the minus strand). VCF-style: chr5-45262603-G-A. GRCh37 (hg19) VCF-style: chr5-45262705-G-A.
Other names: short protein forms S664F.
Identifiers: ClinVar variation 2814859 (VCV002814859.3), dbSNP rs2478182774, ClinGen allele CA359704272.

ClinVar aggregate classification (germline): Uncertain significance (1 of 4 stars; one submission).

Conditions:
Early-infantile DEE. Also called: Early infantile epileptic encephalopathy; Early infantile epileptic encephalopathy with suppression bursts; Ohtahara syndrome. Identifiers: Orphanet 1934, MedGen C0393706, MONDO:0800491.

Submission:

Labcorp Genetics (formerly Invitae), Labcorp
Classification: Uncertain significance for Early-infantile DEE. Last evaluated: 2022-11-17. Review status: criteria provided, single submitter. Criteria: Invitae Variant Classification Sherloc (09022015). Collection method: clinical testing. Allele origin: germline.
Comment: In summary, the available evidence is currently insufficient to determine the role of this variant in disease. Therefore, it has been classified as a Variant of Uncertain Significance. Advanced modeling of protein sequence and biophysical properties (such as structural, functional, and spatial information, amino acid conservation, physicochemical variation, residue mobility, and thermodynamic stability) performed at Invitae indicates that this missense variant is not expected to disrupt HCN1 protein function. This variant has not been reported in the literature in individuals affected with HCN1-related conditions. This variant is not present in population databases (gnomAD no frequency). This sequence change replaces serine, which is neutral and polar, with phenylalanine, which is neutral and non-polar, at codon 664 of the HCN1 protein (p.Ser664Phe).